The following is an entry in ClinVar:

NM_001330260.2(SCN8A):c.1928T>C (p.Val643Ala)

Gene: SCN8A (sodium voltage-gated channel alpha subunit 8; plus strand). Cytogenetic location: 12q13.13.
Variant type: single nucleotide variant.
Coding change: c.1928T>C on transcript NM_001330260.2 (MANE Select); coding-DNA position 1928, T replaced by C.
Protein change: p.Val643Ala; replaces valine 643 with alanine.
Molecular consequence: missense variant.
Genome position (GRCh38, 1-based): chr12:51,721,838, T>C. VCF-style: chr12-51721838-T-C. GRCh37 (hg19) VCF-style: chr12-52115622-T-C.
Other names: c.1928T>C, p.Val643Ala (NM_001177984.3, NM_001369788.1, NM_014191.4); c.1928T>C (NM_014191.3); short protein forms V643A.
Identifiers: ClinVar variation 1947863 (VCV001947863.6), dbSNP rs778129069, ClinGen allele CA6571363.

ClinVar aggregate classification (germline): Uncertain significance. Review status: criteria provided, multiple submitters, no conflicts (2 of 4 stars). 2 submissions from 2 submitters: Uncertain significance (2). Last evaluated 2023-10-03.

Conditions:
Early-infantile DEE. Also called: Early infantile epileptic encephalopathy; Ohtahara syndrome; Early infantile epileptic encephalopathy with suppression bursts. Identifiers: Orphanet 1934, MedGen C0393706, MONDO:0800491.

Allele frequency attached by ClinVar (database versions not stated): gnomAD exomes below 0.00001; ExAC 0.00001.
gnomAD v4.1: 1 of 1,605,200 alleles (0.000062%); highest among the groups gnomAD compares: Admixed American, 0.0017%; no homozygotes.

Submissions (2):

Labcorp Genetics (formerly Invitae), Labcorp
Classification: Uncertain significance for Early-infantile DEE. Last evaluated: 2023-10-03. Review status: criteria provided, single submitter. Criteria: Invitae Variant Classification Sherloc (09022015). Collection method: clinical testing. Allele origin: germline.
Comment: This sequence change replaces valine, which is neutral and non-polar, with alanine, which is neutral and non-polar, at codon 643 of the SCN8A protein (p.Val643Ala). This variant is present in population databases (rs778129069, gnomAD 0.003%). This variant has not been reported in the literature in individuals affected with SCN8A-related conditions. ClinVar contains an entry for this variant (Variation ID: 1947863). Advanced modeling of protein sequence and biophysical properties (such as structural, functional, and spatial information, amino acid conservation, physicochemical variation, residue mobility, and thermodynamic stability) has been performed at Invitae for this missense variant, however the output from this modeling did not meet the statistical confidence thresholds required to predict the impact of this variant on SCN8A protein function. In summary, the available evidence is currently insufficient to determine the role of this variant in disease. Therefore, it has been classified as a Variant of Uncertain Significance.

GeneDx
Classification: Uncertain significance. Last evaluated: 2023-04-04. Review status: criteria provided, single submitter. Criteria: GeneDx Variant Classification Process June 2021. Collection method: clinical testing. Allele origin: germline. Affected: yes.
Comment: Missense variants in this gene are often considered pathogenic (HGMD); In silico analysis supports that this missense variant has a deleterious effect on protein structure/function; Has not been previously published as pathogenic or benign to our knowledge; This substitution is predicted to be within the cytoplasmic loop between the first and second homologous domains.